The following is an entry in ClinVar:

NM_021870.3(FGG):c.1172A>T (p.Asn391Ile)

Gene: FGG (fibrinogen gamma chain; minus strand). Cytogenetic location: 4q32.1.
Variant type: single nucleotide variant.
Coding change: c.1172A>T on transcript NM_021870.3 (MANE Select); coding-DNA position 1172, A replaced by T.
Protein change: p.Asn391Ile; replaces asparagine 391 with isoleucine.
Molecular consequence: missense variant.
Genome position (GRCh38, 1-based): chr4:154,605,024, T>A on the plus strand (A>T on the coding strand, the complement: FGG is on the minus strand). VCF-style: chr4-154605024-T-A. GRCh37 (hg19) VCF-style: chr4-155526176-T-A.
Other names: p.Asn391Ile; c.1172A>T, p.Asn391Ile (NM_000509.6); short protein forms N391I.
Identifiers: ClinVar variation 2683318 (VCV002683318.1), dbSNP rs2530852957, ClinGen allele CA358535409.

ClinVar aggregate classification (germline): Likely pathogenic (1 of 4 stars; one submission).

Submission:

Mayo Clinic Laboratories, Mayo Clinic
Classification: Likely pathogenic. Last evaluated: 2022-10-17. Review status: criteria provided, single submitter. Criteria: ACMG Guidelines, 2015. Collection method: clinical testing. Allele origin: germline. Observed: 1 variant allele.
Comment: PM1, PM2, PM5